The following is an entry in ClinVar:

ClinVar aggregate classification (germline): Uncertain significance (1 of 4 stars; one submission).

Allele frequency attached by ClinVar (database versions not stated): TOPMed below 0.00001.

Submission:

Labcorp Genetics (formerly Invitae), Labcorp
Classification: Uncertain significance. Last evaluated: 2024-01-15. Review status: criteria provided, single submitter. Criteria: Invitae Variant Classification Sherloc (09022015). Collection method: clinical testing. Allele origin: germline.
Comment: This sequence change replaces glutamine, which is neutral and polar, with histidine, which is basic and polar, at codon 173 of the FOXI3 protein (p.Gln173His). This variant is not present in population databases (gnomAD no frequency). This variant has not been reported in the literature in individuals affected with FOXI3-related conditions. ClinVar contains an entry for this variant (Variation ID: 1926922). Experimental studies and prediction algorithms are not available or were not evaluated, and the functional significance of this variant is currently unknown. In summary, the available evidence is currently insufficient to determine the role of this variant in disease. Therefore, it has been classified as a Variant of Uncertain Significance.

NM_001135649.3(FOXI3):c.519G>T (p.Gln173His)

Gene: FOXI3 (forkhead box I3; minus strand). Cytogenetic location: 2p11.2.
Variant type: single nucleotide variant.
Coding change: c.519G>T on transcript NM_001135649.3 (MANE Select); coding-DNA position 519, G replaced by T.
Protein change: p.Gln173His; replaces glutamine 173 with histidine.
Molecular consequence: missense variant.
Genome position (GRCh38, 1-based): chr2:88,452,017, C>A on the plus strand (G>T on the coding strand, the complement: FOXI3 is on the minus strand). VCF-style: chr2-88452017-C-A. GRCh37 (hg19) VCF-style: chr2-88751536-C-A.
Other names: short protein forms Q173H.
Identifiers: ClinVar variation 1926922 (VCV001926922.5), dbSNP rs1676055704, ClinGen allele CA347766169.